The following is an entry in ClinVar:

NM_000051.4(ATM):c.3743A>C (p.Tyr1248Ser)

Gene: ATM (ATM serine/threonine kinase; plus strand). Cytogenetic location: 11q22.3.
Variant type: single nucleotide variant.
Coding change: c.3743A>C on transcript NM_000051.4 (MANE Select); coding-DNA position 3743, A replaced by C.
Protein change: p.Tyr1248Ser; replaces tyrosine 1248 with serine.
Molecular consequence: missense variant.
Genome position (GRCh38, 1-based): chr11:108,282,876, A>C. VCF-style: chr11-108282876-A-C. GRCh37 (hg19) VCF-style: chr11-108153603-A-C.
Other names: c.3743A>C, p.Tyr1248Ser (NM_001351834.2); short protein forms Y1248S.
Identifiers: ClinVar variation 453488 (VCV000453488.9), dbSNP rs766226370, ClinGen allele CA382523873.

ClinVar aggregate classification (germline): Uncertain significance. Review status: criteria provided, multiple submitters, no conflicts (2 of 4 stars). 3 submissions from 3 submitters: Uncertain significance (2). 1 of the submissions does not count toward it. Last evaluated 2025-01-10.

Conditions:
Hereditary cancer-predisposing syndrome. Also called: Tumor predisposition; Hereditary Cancer Syndrome; Neoplastic Syndromes, Hereditary; Hereditary neoplastic syndrome. Identifiers: Orphanet 140162, MedGen C0027672, MeSH D009386, MONDO:0015356.
Ataxia-telangiectasia syndrome (AT). Also called: Cerebello-oculocutaneous telangiectasia; Immunodeficiency with ataxia telangiectasia; Ataxia-telangiectasia, complementation group D; AT, COMPLEMENTATION GROUP C; Ataxia-telangiectasia, complementation group E; LOUIS-BAR SYNDROME. Identifiers: Orphanet 100, MedGen C0004135, MONDO:0008840, OMIM 208900.

Submissions (3):

Ambry Genetics
Classification: Uncertain significance for Hereditary cancer-predisposing syndrome. Last evaluated: 2025-01-10. Review status: criteria provided, single submitter. Criteria: Ambry Variant Classification Scheme 2023. Collection method: clinical testing. Allele origin: germline.
Comment: The p.Y1248S variant (also known as c.3743A>C), located in coding exon 24 of the ATM gene, results from an A to C substitution at nucleotide position 3743. The tyrosine at codon 1248 is replaced by serine, an amino acid with dissimilar properties. This amino acid position is highly conserved in available vertebrate species. In addition, this alteration is predicted to be deleterious by in silico analysis. Based on the available evidence, the clinical significance of this variant remains unclear.

Labcorp Genetics (formerly Invitae), Labcorp
Classification: Uncertain significance for Ataxia-telangiectasia syndrome. Last evaluated: 2017-03-22. Review status: criteria provided, single submitter. Criteria: Invitae Variant Classification Sherloc (09022015). Collection method: clinical testing. Allele origin: germline.
Comment: In summary, this variant is a novel missense change with uncertain impact on protein function. It has been classified as a Variant of Uncertain Significance. This variant is not present in population databases (ExAC no frequency) and has not been reported in the literature in individuals with a ATM-related disease. Algorithms developed to predict the effect of missense changes on protein structure and function (SIFT, PolyPhen-2, Align-GVGD) all suggest that this variant is likely to be disruptive, but these predictions have not been confirmed by published functional studies. This sequence change replaces tyrosine with serine at codon 1248 of the ATM protein (p.Tyr1248Ser). The tyrosine residue is moderately conserved and there is a large physicochemical difference between tyrosine and serine.

Natera, Inc.
Classification: Uncertain significance for Ataxia-telangiectasia. Last evaluated: 2020-03-11. Review status: no assertion criteria provided. Collection method: clinical testing. Allele origin: germline. Not counted in ClinVar's aggregate classification.